The following is an entry in ClinVar:

NM_006939.4(SOS2):c.2537G>A (p.Arg846Gln)

Gene: SOS2 (SOS Ras/Rho guanine nucleotide exchange factor 2; minus strand). Cytogenetic location: 14q21.3.
Variant type: single nucleotide variant.
Coding change: c.2537G>A on transcript NM_006939.4 (MANE Select); coding-DNA position 2537, G replaced by A.
Protein change: p.Arg846Gln; replaces arginine 846 with glutamine.
Molecular consequence: missense variant.
Genome position (GRCh38, 1-based): chr14:50,145,300, C>T on the plus strand (G>A on the coding strand, the complement: SOS2 is on the minus strand). VCF-style: chr14-50145300-C-T. GRCh37 (hg19) VCF-style: chr14-50612018-C-T.
Other names: c.2438G>A, p.Arg813Gln (NM_001411020.1); short protein forms R846Q, R813Q.
Identifiers: ClinVar variation 3799931 (VCV003799931.1).

ClinVar aggregate classification (germline): Uncertain significance (1 of 4 stars; one submission).

Conditions:
Cardiovascular phenotype. Identifiers: MedGen CN230736.

Submission:

Ambry Genetics
Classification: Uncertain significance for Cardiovascular phenotype. Last evaluated: 2025-03-04. Review status: criteria provided, single submitter. Criteria: Ambry Variant Classification Scheme 2023. Collection method: clinical testing. Allele origin: germline.
Comment: The p.R846Q variant (also known as c.2537G>A), located in coding exon 16 of the SOS2 gene, results from a G to A substitution at nucleotide position 2537. The arginine at codon 846 is replaced by glutamine, an amino acid with highly similar properties. This amino acid position is conserved. In addition, this alteration is predicted to be deleterious by in silico analysis. Based on the available evidence, the clinical significance of this variant remains unclear.